The following is an entry in ClinVar:

ClinVar aggregate classification (germline): Uncertain significance. Review status: criteria provided, multiple submitters, no conflicts (2 of 4 stars). 2 submissions from 2 submitters: Uncertain significance (2). Last evaluated 2025-02-04.

Conditions:
Naxos disease (NXD). Also called: KERATOSIS PALMOPLANTARIS WITH ARRHYTHMOGENIC CARDIOMYOPATHY; MAL DE NAXOS; PALMOPLANTAR KERATODERMA WITH ARRHYTHMOGENIC RIGHT VENTRICULAR CARDIOMYOPATHY AND WOOLLY HAIR; WOOLLY HAIR, PALMOPLANTAR KERATODERMA, AND CARDIAC ABNORMALITIES; CARDIOMYOPATHY, ARRHYTHMOGENIC RIGHT VENTRICULAR, WITH SKIN, HAIR, AND NAIL ABNORMALITIES. Identifiers: Orphanet 34217, MedGen C1832600, MONDO:0011017, OMIM 601214.
Arrhythmogenic right ventricular dysplasia 12. Also called: ARRHYTHMOGENIC RIGHT VENTRICULAR DYSPLASIA, FAMILIAL, 12. Identifiers: MedGen C1969081, MONDO:0012684, OMIM 611528.
Cardiovascular phenotype. Identifiers: MedGen CN230736.

Submissions (2):

Labcorp Genetics (formerly Invitae), Labcorp
Classification: Uncertain significance for Arrhythmogenic right ventricular dysplasia 12; Naxos disease. Last evaluated: 2025-02-04. Review status: criteria provided, single submitter. Criteria: Invitae Variant Classification Sherloc (09022015). Collection method: clinical testing. Allele origin: germline.
Comment: This sequence change replaces glutamine, which is neutral and polar, with arginine, which is basic and polar, at codon 431 of the JUP protein (p.Gln431Arg). This variant is not present in population databases (gnomAD no frequency). This variant has not been reported in the literature in individuals affected with JUP-related conditions. ClinVar contains an entry for this variant (Variation ID: 1769127). An algorithm developed to predict the effect of missense changes on protein structure and function (PolyPhen-2) suggests that this variant is likely to be tolerated. In summary, the available evidence is currently insufficient to determine the role of this variant in disease. Therefore, it has been classified as a Variant of Uncertain Significance.

Ambry Genetics
Classification: Uncertain significance for Cardiovascular phenotype. Last evaluated: 2021-02-23. Review status: criteria provided, single submitter. Criteria: Ambry Variant Classification Scheme 2023. Collection method: clinical testing. Allele origin: germline.
Comment: The p.Q431R variant (also known as c.1292A>G), located in coding exon 7 of the JUP gene, results from an A to G substitution at nucleotide position 1292. The glutamine at codon 431 is replaced by arginine, an amino acid with highly similar properties. This amino acid position is highly conserved in available vertebrate species. In addition, this alteration is predicted to be deleterious by in silico analysis. Since supporting evidence is limited at this time, the clinical significance of this alteration remains unclear.

NM_002230.4(JUP):c.1292A>G (p.Gln431Arg)

Gene: JUP (junction plakoglobin; minus strand). Cytogenetic location: 17q21.2.
Variant type: single nucleotide variant.
Coding change: c.1292A>G on transcript NM_002230.4 (MANE Select); coding-DNA position 1292, A replaced by G.
Protein change: p.Gln431Arg; replaces glutamine 431 with arginine.
Molecular consequence: missense variant.
Genome position (GRCh38, 1-based): chr17:41,763,188, T>C on the plus strand (A>G on the coding strand, the complement: JUP is on the minus strand). VCF-style: chr17-41763188-T-C. GRCh37 (hg19) VCF-style: chr17-39919440-T-C.
Other names: c.1292A>G, p.Gln431Arg (NM_001352773.2, NM_001352774.2, NM_001352775.2 and 3 more transcripts); short protein forms Q431R.
Identifiers: ClinVar variation 1769127 (VCV001769127.3), dbSNP rs2544109065, ClinGen allele CA399497437.